The following is an entry in ClinVar:

ClinVar aggregate classification (germline): Uncertain significance (1 of 4 stars; one submission).

Submission:

Dasa
Classification: Uncertain significance. Last evaluated: 2026-03-24. Review status: criteria provided, single submitter. Criteria: DASA Assertion Criteria. Collection method: clinical testing. Allele origin: germline.
Comment: NM_152296.5(ATP1A3):c.917C>T (p.Thr306Ile) is a missense variant that results in the substitution of threonine with isoleucine. This variant is absent from population databases. The currently available literature and clinical evidence are not sufficient to establish a definitive association between this variant and the reported condition. Therefore, this variant is classified as a variant of uncertain significance.

NM_152296.5(ATP1A3):c.917C>T (p.Thr306Ile)

Gene: ATP1A3 (ATPase Na+/K+ transporting subunit alpha 3; minus strand). Cytogenetic location: 19q13.2.
Variant type: single nucleotide variant.
Coding change: c.917C>T on transcript NM_152296.5 (MANE Select); coding-DNA position 917, C replaced by T.
Protein change: p.Thr306Ile; replaces threonine 306 with isoleucine.
Molecular consequence: missense variant.
Genome position (GRCh38, 1-based): chr19:41,984,994, G>A on the plus strand (C>T on the coding strand, the complement: ATP1A3 is on the minus strand). VCF-style: chr19-41984994-G-A. GRCh37 (hg19) VCF-style: chr19-42489146-G-A.
Other names: c.950C>T, p.Thr317Ile (NM_001256213.2); c.956C>T, p.Thr319Ile (NM_001256214.2); short protein forms T306I, T317I, T319I.
Identifiers: ClinVar variation 4883662 (VCV004883662.2).